The following is an entry in ClinVar:

ClinVar aggregate classification (germline): Uncertain significance (1 of 4 stars; one submission).

Submission:

GeneDx
Classification: Uncertain significance. Last evaluated: 2019-05-24. Review status: criteria provided, single submitter. Criteria: GeneDx Variant Classification Process June 2021. Collection method: clinical testing. Allele origin: germline. Affected: yes.
Comment: Not observed in large population cohorts (Lek et al., 2016); Frameshift variant predicted to result in protein truncation as the last 17 amino acids are lost and replaced with 61 incorrect amino acids, although loss-of-function variants have not been reported downstream of this position in the protein; Has not been previously published as pathogenic or benign to our knowledge

NM_001103.4(ACTN2):c.2630dup (p.Ala878fs)

Gene: ACTN2 (actinin alpha 2; plus strand). Cytogenetic location: 1q43.
Variant type: Duplication.
Coding change: c.2630dup on transcript NM_001103.4 (MANE Select); coding-DNA position 2630, one base duplicated (G; older notation c.2630dupG).
Protein change: p.Ala878fs; shifts the reading frame from alanine 878.
Molecular consequence: frameshift variant.
Genome position (GRCh38, 1-based): chr1:236,762,564, G duplicated; the last of 2 consecutive G bases (chr1:236,762,563-236,762,564); duplicating either gives the same sequence. VCF-style (leftmost placement, unchanged base first): chr1-236762562-T-TG. GRCh37 (hg19) VCF-style: chr1-236925862-T-TG.
Other names: c.2630dupG (NM_001103.2); c.2630dup, p.Ala878fs (NM_001278343.2); c.2006dup, p.Ala670fs (NM_001278344.2); short protein forms A878fs, A670fs.
Identifiers: ClinVar variation 420341 (VCV000420341.3), dbSNP rs1553305291, ClinGen allele CA16617093.